The following is an entry in ClinVar:

NM_001958.5(EEF1A2):c.470C>A (p.Ser157Tyr)

Genes: EEF1A2 (eukaryotic translation elongation factor 1 alpha 2; minus strand), LOC132090595 (Neanderthal introgressed variant-containing enhancer experimental_60987; plus strand). Cytogenetic location: 20q13.33.
Variant type: single nucleotide variant.
Coding change: c.470C>A on transcript NM_001958.5 (MANE Select); coding-DNA position 470, C replaced by A.
Protein change: p.Ser157Tyr; replaces serine 157 with tyrosine.
Molecular consequence: missense variant.
Genome position (GRCh38, 1-based): chr20:63,494,956, G>T on the plus strand (C>A on the coding strand, the complement: EEF1A2 is on the minus strand). VCF-style: chr20-63494956-G-T. GRCh37 (hg19) VCF-style: chr20-62126309-G-T.
Other names: short protein forms S157Y.
Identifiers: ClinVar variation 3658082 (VCV003658082.2).

ClinVar aggregate classification (germline): Uncertain significance (1 of 4 stars; one submission).

Conditions:
Developmental and epileptic encephalopathy, 33 (DEE33). Also called: Epileptic encephalopathy, early infantile, 33. Identifiers: Orphanet 442835, MedGen C4225337, MONDO:0014625, OMIM 616409.

gnomAD v4.1: 1 of 1,612,822 alleles (0.000062%); highest among the groups gnomAD compares: Non-Finnish European, 0.000085%; no homozygotes.

Submission:

Labcorp Genetics (formerly Invitae), Labcorp
Classification: Uncertain significance for Developmental and epileptic encephalopathy, 33. Last evaluated: 2024-06-28. Review status: criteria provided, single submitter. Criteria: Invitae Variant Classification Sherloc (09022015). Collection method: clinical testing. Allele origin: germline.
Comment: This sequence change replaces serine, which is neutral and polar, with tyrosine, which is neutral and polar, at codon 157 of the EEF1A2 protein (p.Ser157Tyr). This variant is present in population databases (rs776312847, gnomAD 0.0009%). This variant has not been reported in the literature in individuals affected with EEF1A2-related conditions. Advanced modeling of protein sequence and biophysical properties (such as structural, functional, and spatial information, amino acid conservation, physicochemical variation, residue mobility, and thermodynamic stability) has been performed at Invitae for this missense variant, however the output from this modeling did not meet the statistical confidence thresholds required to predict the impact of this variant on EEF1A2 protein function. In summary, the available evidence is currently insufficient to determine the role of this variant in disease. Therefore, it has been classified as a Variant of Uncertain Significance.